The following is an entry in ClinVar:

NM_172245.4(CSF2RA):c.137A>G (p.Asn46Ser)

Gene: CSF2RA (colony stimulating factor 2 receptor subunit alpha; plus strand). Cytogenetic location: Xp22.33.
Variant type: single nucleotide variant.
Coding change: c.137A>G on transcript NM_172245.4 (MANE Select); coding-DNA position 137, A replaced by G.
Protein change: p.Asn46Ser; replaces asparagine 46 with serine.
Molecular consequence: missense variant. On other transcripts: non-coding transcript variant (1), intron variant (1).
Genome position (GRCh38, 1-based): chrX:1,285,838, A>G. VCF-style: chrX-1285838-A-G. GRCh37 (hg19) VCF-style: chrX-1404731-A-G.
Other names: c.137A>G, p.Asn46Ser (NM_001161529.2, NM_001161530.2, NM_001161531.2 and 20 more transcripts); c.-180-2681A>G (NM_001161532.2); short protein forms N46S.
Identifiers: ClinVar variation 835894 (VCV000835894.10), dbSNP rs2090584002, ClinGen allele CA412234622.

ClinVar aggregate classification (germline): Uncertain significance (1 of 4 stars; one submission).

Conditions:
Surfactant metabolism dysfunction, pulmonary, 4 (SMDP4). Also called: PAP DUE TO CSF2RA DEFICIENCY; PULMONARY ALVEOLAR PROTEINOSIS, CONGENITAL, 4; CSF2RA DEFICIENCY. Identifiers: Orphanet 264675, MedGen C2677877, MONDO:0010424, OMIM 300770.

Submission:

Labcorp Genetics (formerly Invitae), Labcorp
Classification: Uncertain significance for Surfactant metabolism dysfunction, pulmonary, 4. Last evaluated: 2020-01-31. Review status: criteria provided, single submitter. Criteria: Invitae Variant Classification Sherloc (09022015). Collection method: clinical testing. Allele origin: germline.
Comment: In summary, the available evidence is currently insufficient to determine the role of this variant in disease. Therefore, it has been classified as a Variant of Uncertain Significance. Algorithms developed to predict the effect of missense changes on protein structure and function (SIFT, PolyPhen-2, Align-GVGD) all suggest that this variant is likely to be tolerated, but these predictions have not been confirmed by published functional studies and their clinical significance is uncertain. This variant has not been reported in the literature in individuals with CSF2RA-related conditions. This variant is not present in population databases (ExAC no frequency). This sequence change replaces asparagine with serine at codon 46 of the CSF2RA protein (p.Asn46Ser). The asparagine residue is weakly conserved and there is a small physicochemical difference between asparagine and serine.